The following is an entry in ClinVar:

ClinVar aggregate classification (germline): Uncertain significance (1 of 4 stars; one submission).

Conditions:
Congenital primary aphakia. Also called: Anterior segment dysgenesis 2, multiple subtypes; ANTERIOR SEGMENT DYSGENESIS 2. Identifiers: Orphanet 83461, MedGen C1853230, MONDO:0012456, OMIM 610256.
Anterior segment dysgenesis. Also called: Ocular anterior segment dysgenesis. Identifiers: Orphanet 88632, MedGen C1862839, MONDO:0019503, HP:0007700.

gnomAD v4.1: 6 of 1,117,700 alleles (0.00054%); highest among the groups gnomAD compares: Non-Finnish European, 0.00066%; no homozygotes.

Submission:

Labcorp Genetics (formerly Invitae), Labcorp
Classification: Uncertain significance for Anterior segment dysgenesis; Congenital primary aphakia. Last evaluated: 2024-12-27. Review status: criteria provided, single submitter. Criteria: Invitae Variant Classification Sherloc (09022015). Collection method: clinical testing. Allele origin: germline.
Comment: This sequence change replaces alanine, which is neutral and non-polar, with proline, which is neutral and non-polar, at codon 46 of the FOXE3 protein (p.Ala46Pro). The frequency data for this variant in the population databases is considered unreliable, as metrics indicate insufficient coverage at this position in the gnomAD database. This variant has not been reported in the literature in individuals affected with FOXE3-related conditions. Invitae Evidence Modeling of protein sequence and biophysical properties (such as structural, functional, and spatial information, amino acid conservation, physicochemical variation, residue mobility, and thermodynamic stability) indicates that this missense variant is not expected to disrupt FOXE3 protein function with a negative predictive value of 95%. In summary, the available evidence is currently insufficient to determine the role of this variant in disease. Therefore, it has been classified as a Variant of Uncertain Significance.

NM_012186.3(FOXE3):c.136G>C (p.Ala46Pro)

Genes: FOXE3 (forkhead box E3; plus strand), LINC01389 (long independently transcribed non-coding RNA 1389; minus strand). Cytogenetic location: 1p33.
Variant type: single nucleotide variant.
Coding change: c.136G>C on transcript NM_012186.3 (MANE Select); coding-DNA position 136, G replaced by C.
Protein change: p.Ala46Pro; replaces alanine 46 with proline.
Molecular consequence: missense variant.
Genome position (GRCh38, 1-based): chr1:47,416,451, G>C. VCF-style: chr1-47416451-G-C. GRCh37 (hg19) VCF-style: chr1-47882123-G-C.
Other names: short protein forms A46P.
Identifiers: ClinVar variation 3762925 (VCV003762925.2).